The following is an entry in ClinVar:

ClinVar aggregate classification (germline): Uncertain significance (1 of 4 stars; one submission).

Submission:

Labcorp Genetics (formerly Invitae), Labcorp
Classification: Uncertain significance. Last evaluated: 2022-08-06. Review status: criteria provided, single submitter. Criteria: Invitae Variant Classification Sherloc (09022015). Collection method: clinical testing. Allele origin: germline.
Comment: In summary, the available evidence is currently insufficient to determine the role of this variant in disease. Therefore, it has been classified as a Variant of Uncertain Significance. This variant has not been reported in the literature in individuals affected with KAT6A-related conditions. This variant is not present in population databases (gnomAD no frequency). This variant, c.4938_4940dup, results in the insertion of 1 amino acid(s) of the KAT6A protein (p.Asn1646_Gln1647insHis), but otherwise preserves the integrity of the reading frame.

NM_006766.5(KAT6A):c.4938_4940dup (p.Asn1646_Gln1647insHis)

Gene: KAT6A (lysine acetyltransferase 6A; minus strand). Cytogenetic location: 8p11.21.
Variant type: Duplication.
Coding change: c.4938_4940dup on transcript NM_006766.5 (MANE Select); coding-DNA positions 4938 to 4940, 3 bases duplicated (CCA; older notation c.4938_4940dupCCA).
Protein change: p.Asn1646_Gln1647insHis.
Molecular consequence: inframe insertion.
Genome position (GRCh38, 1-based): chr8:41,933,280-41,933,282, TGG duplicated on the plus strand (CCA on the coding strand, the reverse complement: KAT6A is on the minus strand); duplicating any 3 consecutive bases within chr8:41,933,280-41,933,283 gives the same sequence; the c. name uses the placement nearest the transcript's 3' end. VCF-style (leftmost placement, unchanged base first): chr8-41933279-C-CTGG. GRCh37 (hg19) VCF-style: chr8-41790797-C-CTGG.
Identifiers: ClinVar variation 1928782 (VCV001928782.5), dbSNP rs2486753248, ClinGen allele CA2580078481.